The following is an entry in ClinVar:

ClinVar aggregate classification (germline): Conflicting classifications of pathogenicity. Review status: criteria provided, conflicting classifications (1 of 4 stars). 2 submissions from 2 submitters: Uncertain significance (1); Benign (1). Last evaluated 2023-11-16.

Conditions:
Inborn genetic diseases. Identifiers: MedGen C0950123, MeSH D030342.

Submissions (2):

Ambry Genetics
Classification: Uncertain significance for Inborn genetic diseases. Last evaluated: 2023-11-16. Review status: criteria provided, single submitter. Criteria: Ambry Variant Classification Scheme 2023. Collection method: clinical testing. Allele origin: germline.
Comment: The c.1735-3delC alteration is located in Intron 4 (E) of the C10orf2 gene. This alteration consists of a deletion of 1 nucleotides at nucleotide position c.1735-3 Intron 4 (E). Based on insufficient or conflicting evidence, the clinical significance of this alteration remains unclear.

Labcorp Genetics (formerly Invitae), Labcorp
Classification: Benign. Last evaluated: 2023-05-17. Review status: criteria provided, single submitter. Criteria: Invitae Variant Classification Sherloc (09022015). Collection method: clinical testing. Allele origin: germline.

NM_021830.5(TWNK):c.1735-3del

Gene: TWNK (twinkle mtDNA helicase; plus strand). Cytogenetic location: 10q24.31.
Variant type: Deletion.
Coding change: c.1735-3del on transcript NM_021830.5 (MANE Select); 3 bases into the intron before coding-DNA position 1735, one base deleted (C; older notation c.1735-3delC).
Molecular consequence: intron variant.
Genome position (GRCh38, 1-based): chr10:100,993,187, C deleted; the last of 4 consecutive C bases (chr10:100,993,184-100,993,187); deleting any one gives the same sequence. VCF-style (leftmost placement, unchanged base first): chr10-100993183-TC-T. GRCh37 (hg19) VCF-style: chr10-102752940-TC-T.
Other names: c.1735-3delC (NM_021830.4); c.*30-3del (NM_001163812.2, NM_001163814.2); c.373-3del (NM_001163813.2, NM_001368275.1).
Identifiers: ClinVar variation 2865229 (VCV002865229.4), dbSNP rs773944255, ClinGen allele CA5653337.